The following is an entry in ClinVar:

NM_005188.4(CBL):c.1222T>G (p.Trp408Gly)

Gene: CBL (Cbl proto-oncogene; plus strand). Cytogenetic location: 11q23.3.
Variant type: single nucleotide variant.
Coding change: c.1222T>G on transcript NM_005188.4 (MANE Select); coding-DNA position 1222, T replaced by G.
Protein change: p.Trp408Gly; replaces tryptophan 408 with glycine.
Molecular consequence: missense variant.
Genome position (GRCh38, 1-based): chr11:119,278,292, T>G. VCF-style: chr11-119278292-T-G. GRCh37 (hg19) VCF-style: chr11-119149002-T-G.
Other names: short protein forms W408G.
Identifiers: ClinVar variation 3774025 (VCV003774025.1).

ClinVar aggregate classification (germline): Uncertain significance (1 of 4 stars; one submission).

Submission:

GeneDx
Classification: Uncertain significance. Last evaluated: 2024-09-19. Review status: criteria provided, single submitter. Criteria: GeneDx Variant Classification Process June 2021. Collection method: clinical testing. Allele origin: germline. Affected: yes.
Comment: Not observed at significant frequency in large population cohorts (gnomAD); In silico analysis supports that this missense variant has a deleterious effect on protein structure/function; Has not been previously published as pathogenic or benign to our knowledge; This variant is associated with the following publications: (PMID: 20619386, 22315494)